The following is an entry in ClinVar:

ClinVar aggregate classification (germline): Pathogenic (1 of 4 stars; one submission).

Conditions:
Familial adenomatous polyposis 1 (FAP1). Also called: FAMILIAL ADENOMATOUS POLYPOSIS 1, ATTENUATED; POLYPOSIS, ADENOMATOUS INTESTINAL. Identifiers: MedGen C2713442, MONDO:0021056, OMIM 175100. Disease mechanism: loss of function.

Submission:

Labcorp Genetics (formerly Invitae), Labcorp
Classification: Pathogenic for Familial adenomatous polyposis 1. Last evaluated: 2019-01-23. Review status: criteria provided, single submitter. Criteria: Invitae Variant Classification Sherloc (09022015). Collection method: clinical testing. Allele origin: germline.
Comment: For these reasons, this variant has been classified as Pathogenic. A different truncation (p.Asn1979Thrfs*64) that lies downstream of this variant has been determined to be pathogenic (PMID: 9824584, 20434453, 26681312). This suggests that variants that disrupt this region of the protein are likely to be causative of disease. This variant has not been reported in the literature in individuals with APC-related conditions. This variant is not present in population databases (ExAC no frequency). This sequence change results in a premature translational stop signal in the APC gene (p.Arg1158Lysfs*6). While this is not anticipated to result in nonsense mediated decay, it is expected to disrupt the last 1686 amino acids of the APC protein.

Literature cited by the submitters: PubMed 9824584; PubMed 20434453; PubMed 26681312.

NM_000038.6(APC):c.3472dup (p.Arg1158fs)

Gene: APC (APC regulator of Wnt signaling pathway; plus strand). Cytogenetic location: 5q22.2.
Variant type: Duplication.
Coding change: c.3472dup on transcript NM_000038.6 (MANE Select); coding-DNA position 3472, one base duplicated (A; older notation c.3472dupA).
Protein change: p.Arg1158fs; shifts the reading frame from arginine 1158.
Molecular consequence: frameshift variant.
Genome position (GRCh38, 1-based): chr5:112,839,066, A duplicated. VCF-style (leftmost placement, unchanged base first): chr5-112839065-G-GA. GRCh37 (hg19) VCF-style: chr5-112174762-G-GA.
Other names: c.3472dup, p.Arg1158fs (NM_001127510.3, NM_001354895.2); c.3418dup, p.Arg1140fs (NM_001127511.3); c.3526dup, p.Arg1176fs (NM_001354896.2); c.3502dup, p.Arg1168fs (NM_001354897.2); c.3397dup, p.Arg1133fs (NM_001354898.2); c.3388dup, p.Arg1130fs (NM_001354899.2); c.3349dup, p.Arg1117fs (NM_001354900.2); c.3295dup, p.Arg1099fs (NM_001354901.2); and 5 more; short protein forms R1099fs, R1117fs, R1130fs, R1168fs, R1176fs, R1032fs, R1057fs, R1140fs.
Identifiers: ClinVar variation 844657 (VCV000844657.11), dbSNP rs1765433827, ClinGen allele CA916080349.